The following is an entry in ClinVar:

NM_005157.6(ABL1):c.3067G>A (p.Ala1023Thr)

Gene: ABL1 (ABL proto-oncogene 1, non-receptor tyrosine kinase; plus strand). Cytogenetic location: 9q34.12.
Variant type: single nucleotide variant.
Coding change: c.3067G>A on transcript NM_005157.6 (MANE Select); coding-DNA position 3067, G replaced by A.
Protein change: p.Ala1023Thr; replaces alanine 1023 with threonine.
Molecular consequence: missense variant.
Genome position (GRCh38, 1-based): chr9:130,885,357, G>A. VCF-style: chr9-130885357-G-A. GRCh37 (hg19) VCF-style: chr9-133760744-G-A.
Other names: c.3124G>A, p.Ala1042Thr (NM_007313.3); c.3124G>A (NM_007313.2); short protein forms A1023T, A1042T.
Identifiers: ClinVar variation 2084004 (VCV002084004.7), dbSNP rs765181270, ClinGen allele CA5285851.

ClinVar aggregate classification (germline): Conflicting classifications of pathogenicity. Review status: criteria provided, conflicting classifications (1 of 4 stars). 3 submissions from 3 submitters: Uncertain significance (1); Likely benign (2). Last evaluated 2026-01-11.

Conditions:
ABL1-related disorder. Also called: ABL1-related condition.

Allele frequency attached by ClinVar (database versions not stated): ExAC 0.00001; gnomAD exomes 0.00001; TOPMed 0.00001.
gnomAD v4.1: 13 of 1,613,644 alleles (0.00081%); highest among the groups gnomAD compares: East Asian, 0.0022%; no homozygotes.

Submissions (3):

Labcorp Genetics (formerly Invitae), Labcorp
Classification: Likely benign. Last evaluated: 2026-01-11. Review status: criteria provided, single submitter. Criteria: Invitae Variant Classification Sherloc (09022015). Collection method: clinical testing. Allele origin: germline.

PreventionGenetics, part of Exact Sciences
Classification: Uncertain significance for ABL1-related condition. Last evaluated: 2025-11-21. Review status: criteria provided, single submitter. Criteria: ACMG Guidelines, 2015. Collection method: clinical testing. Allele origin: germline.
Comment: The ABL1 c.3124G>A variant is predicted to result in the amino acid substitution p.Ala1042Thr. To our knowledge, this variant has not been reported in the literature. This variant is reported in 0.0054% of alleles in individuals of East Asian descent in gnomAD. At this time, the clinical significance of this variant is uncertain due to the absence of conclusive functional and genetic evidence.

Laboratory of Genetics, Children's Clinical University Hospital Latvia
Classification: Likely benign. Last evaluated: 2025-02-16. Review status: criteria provided, single submitter. Criteria: ACMG Guidelines, 2015. Collection method: clinical testing. Allele origin: germline. Affected: yes.